The following is an entry in ClinVar:

NM_014159.7(SETD2):c.407G>C (p.Arg136Thr)

Gene: SETD2 (SET domain containing 2, histone lysine methyltransferase; minus strand). Cytogenetic location: 3p21.31.
Variant type: single nucleotide variant.
Coding change: c.407G>C on transcript NM_014159.7 (MANE Select); coding-DNA position 407, G replaced by C.
Protein change: p.Arg136Thr; replaces arginine 136 with threonine.
Molecular consequence: missense variant. On other transcripts: non-coding transcript variant (1).
Genome position (GRCh38, 1-based): chr3:47,124,229, C>G on the plus strand (G>C on the coding strand, the complement: SETD2 is on the minus strand). VCF-style: chr3-47124229-C-G. GRCh37 (hg19) VCF-style: chr3-47165719-C-G.
Other names: c.275G>C, p.Arg92Thr (NM_001349370.3); short protein forms R136T, R92T.
Identifiers: ClinVar variation 4813096 (VCV004813096.1).
Genomic context (GRCh38, chr3:47,124,229, plus strand): 5'-AGTGGCCTGGATGTTACATGAAGCAGATGTTTCTTAAAATGAATTTTGCCCAATTCCACC[C>G]TTGACTTTGGTGGGGAAGATTCTTCTGCAGTAGATAAGGTATCACCAATTTCCATTTTCA-3'
Protein context (NP_054878.5, residues 126-146): TAEESSPPKS[Arg136Thr]VELGKIHFKK

ClinVar aggregate classification (germline): Uncertain significance (1 of 4 stars; one submission).

Conditions:
Congenital portosystemic shunt. Identifiers: Orphanet 480531, MedGen C1290495, MONDO:0018811.

gnomAD v4.1: 50 of 1,551,768 alleles (0.0032%); highest among the groups gnomAD compares: East Asian, 0.12%; no homozygotes.

Submission:

Department of Pediatrics, Graduate School of Medical Sciences, Kyushu University
Classification: Uncertain significance for Congenital portosystemic shunt. Last evaluated: 2026-02-27. Review status: criteria provided, single submitter. Criteria: ACMG Guidelines, 2015. Collection method: research. Allele origin: germline. Affected: yes.
Comment: These variants are rare or absent in population databases such as gnomAD, and in silico prediction tools including CADD suggest potential deleterious effects. However, the relationship between this gene and CPSS has not been established. Therefore, the clinical significance of this variant is currently classified as a variant of uncertain significance (VUS).